The following is an entry in ClinVar:

ClinVar aggregate classification (germline): Uncertain significance. Review status: criteria provided, multiple submitters, no conflicts (2 of 4 stars). 3 submissions from 3 submitters: Uncertain significance (3). Last evaluated 2026-08-06.

Conditions:
Combined oxidative phosphorylation defect type 20. Also called: Combined oxidative phosphorylation deficiency 20. Identifiers: Orphanet 420728, MedGen C4014660, MONDO:0014397, OMIM 615917.

Allele frequency attached by ClinVar (database versions not stated): gnomAD exomes 0.00001 and 0.00006; ExAC 0.00008; ESP Exome Variant Server 0.00012; gnomAD 0.00024 and 0.00026; TOPMed 0.00025.
gnomAD v4.1: 59 of 1,557,708 alleles (0.0038%); highest among the groups gnomAD compares: African/African-American, 0.066%; no homozygotes.

Submissions (4):

OLLIN Analises Genomicas, OLLIN
Classification: Uncertain significance for Combined oxidative phosphorylation defect type 20. Last evaluated: 2026-08-06. Review status: criteria provided, single submitter. Criteria: ACMG Guidelines 2015 PMID 25741868. Collection method: clinical testing. Allele origin: germline. Inheritance: Autosomal recessive inheritance.
Comment: This missense variant, located in exon 21 (of 30), has been reported in ClinVar (accession VCV001424133.6) and in gnomAD with an allele frequency of 0.0038%. However, to our knowledge, it has not been reported in the scientific literature. In silico analysis predicts that this variant has a deleterious effect. According to the currently available evidence, this variant has been classified as uncertain significance (PM2_P, PP3).

GeneDx
Classification: Uncertain significance. Last evaluated: 2025-10-07. Review status: criteria provided, single submitter. Criteria: GeneDx Variant Classification Process June 2021. Collection method: clinical testing. Allele origin: germline.
Comment: In silico analysis indicates that this missense variant does not alter protein structure/function; In silico analysis suggests this variant may impact gene splicing. In the absence of RNA/functional studies, the actual effect of this sequence change is unknown.; Has not been previously published as pathogenic or benign to our knowledge

Labcorp Genetics (formerly Invitae), Labcorp
Classification: Uncertain significance. Last evaluated: 2022-10-17. Review status: criteria provided, single submitter. Criteria: Invitae Variant Classification Sherloc (09022015). Collection method: clinical testing. Allele origin: germline.
Comment: This sequence change replaces glutamine, which is neutral and polar, with arginine, which is basic and polar, at codon 709 of the VARS2 protein (p.Gln709Arg). This variant is present in population databases (rs144112557, gnomAD 0.08%). This variant has not been reported in the literature in individuals affected with VARS2-related conditions. ClinVar contains an entry for this variant (Variation ID: 1424133). Algorithms developed to predict the effect of missense changes on protein structure and function are either unavailable or do not agree on the potential impact of this missense change (SIFT: "Deleterious"; PolyPhen-2: "Benign"; Align-GVGD: "Class C0"). Algorithms developed to predict the effect of sequence changes on RNA splicing suggest that this variant may create or strengthen a splice site. In summary, the available evidence is currently insufficient to determine the role of this variant in disease. Therefore, it has been classified as a Variant of Uncertain Significance.

Dr. Peter K. Rogan Lab, Western University
No classification provided (evidence only). Condition: Acute myeloid leukemia. Review status: no classification provided. Collection method: in vitro. Allele origin: not applicable. Functional consequence: skipped exon, retained intron. Not counted in ClinVar's aggregate classification.

NM_020442.6(VARS2):c.2036A>G (p.Gln679Arg)

Genes: VARS2 (valyl-tRNA synthetase 2, mitochondrial; plus strand), LOC126859646 (MED14-independent group 3 enhancer GRCh37_chr6:30889690-30890889; plus strand). Cytogenetic location: 6p21.33.
Variant type: single nucleotide variant.
Coding change: c.2036A>G on transcript NM_020442.6 (MANE Select); coding-DNA position 2036, A replaced by G.
Protein change: p.Gln679Arg; replaces glutamine 679 with arginine.
Molecular consequence: missense variant.
Genome position (GRCh38, 1-based): chr6:30,922,553, A>G. VCF-style: chr6-30922553-A-G. GRCh37 (hg19) VCF-style: chr6-30890330-A-G.
Other names: c.2126A>G (NM_001167734.1); c.1616A>G, p.Gln539Arg (NM_001167733.3); c.2126A>G, p.Gln709Arg (NM_001167734.2); short protein forms Q539R, Q679R, Q709R.
Identifiers: ClinVar variation 1424133 (VCV001424133.8), dbSNP rs144112557, ClinGen allele CA3706124.